The following is an entry in ClinVar:

ClinVar aggregate classification (germline): Conflicting classifications of pathogenicity. Review status: criteria provided, conflicting classifications (1 of 4 stars). 3 submissions from 3 submitters: Uncertain significance (2); Likely benign (1). Last evaluated 2025-10-02.

Conditions:
Megalencephalic leukoencephalopathy with subcortical cysts. Also called: VAN DER KNAAP DISEASE. Identifiers: Orphanet 2478, MedGen C1858854, MONDO:0011391.

Allele frequency attached by ClinVar (database versions not stated): gnomAD exomes 0.00002; gnomAD 0.00003; ExAC 0.00004; TOPMed 0.00008.
gnomAD v4.1: 36 of 1,611,524 alleles (0.0022%); highest among the groups gnomAD compares: Middle Eastern, 0.016%; no homozygotes.

Submissions (3):

Labcorp Genetics (formerly Invitae), Labcorp
Classification: Likely benign. Last evaluated: 2025-10-02. Review status: criteria provided, single submitter. Criteria: Invitae Variant Classification Sherloc (09022015). Collection method: clinical testing. Allele origin: germline.

GeneDx
Classification: Uncertain significance. Last evaluated: 2023-12-21. Review status: criteria provided, single submitter. Criteria: GeneDx Variant Classification Process June 2021. Collection method: clinical testing. Allele origin: germline. Affected: yes.
Comment: Not observed at significant frequency in large population cohorts (gnomAD); In silico analysis supports that this variant does not alter splicing; Has not been previously published as pathogenic or benign to our knowledge

Illumina Laboratory Services, Illumina
Classification: Uncertain significance for Megalencephalic leukoencephalopathy with subcortical cysts. Last evaluated: 2018-01-13. Review status: criteria provided, single submitter. Criteria: ICSL Variant Classification Criteria 13 December 2019. Collection method: clinical testing. Allele origin: germline.

NM_152722.5(HEPACAM):c.472C>T (p.Leu158=)

Gene: HEPACAM (hepatic and glial cell adhesion molecule; minus strand). Cytogenetic location: 11q24.2.
Variant type: single nucleotide variant.
Coding change: c.472C>T on transcript NM_152722.5 (MANE Select); coding-DNA position 472, C replaced by T.
Protein change: p.Leu158=; no amino-acid change (leucine 158 retained).
Molecular consequence: synonymous variant.
Genome position (GRCh38, 1-based): chr11:124,923,966, G>A on the plus strand (C>T on the coding strand, the complement: HEPACAM is on the minus strand). VCF-style: chr11-124923966-G-A. GRCh37 (hg19) VCF-style: chr11-124793862-G-A.
Identifiers: ClinVar variation 303332 (VCV000303332.10), dbSNP rs781748998, ClinGen allele CA6345728.